The following continues an entry in ClinVar:

NM_001128126.3(AP4S1):c.289C>T (p.Arg97Ter)

Gene: AP4S1. ClinVar aggregate classification (germline): Pathogenic/Likely pathogenic. Pathogenic (22); Likely pathogenic (1).

Submissions 16 to 26 of 26:

Institute of Medical Genetics and Applied Genomics, University Hospital Tübingen
Classification: Pathogenic. Last evaluated: 2020-10-23. Review status: criteria provided, single submitter. Criteria: ACMG Guidelines, 2015. Collection method: clinical testing. Allele origin: germline. Inheritance: Unknown mechanism. Affected: yes.

Diagnostic Laboratory, Strasbourg University Hospital
Classification: Pathogenic for Intellectual disability. Last evaluated: 2020-09-10. Review status: criteria provided, single submitter. Criteria: ACMG Guidelines, 2015. Collection method: clinical testing. Allele origin: unknown. Affected: yes. Observed: 1 compound heterozygote.

Kasturba Medical College, Manipal, Kasturba Medical College, Manipal, Manipal Academy of Higher Education, Manipal, India
Classification: Pathogenic for Hereditary spastic paraplegia 52. Last evaluated: 2019-12-19. Review status: criteria provided, single submitter. Criteria: ACMG Guidelines, 2015. Collection method: clinical testing. Allele origin: inherited. Inheritance: Autosomal recessive inheritance. Affected: yes. Observed: 3 variant alleles.

Centre for Mendelian Genomics, University Medical Centre Ljubljana
Classification: Pathogenic for Hereditary spastic paraplegia 52. Last evaluated: 2019-04-02. Review status: criteria provided, single submitter. Criteria: ACMG Guidelines, 2015. Collection method: clinical testing. Allele origin: unknown. Affected: yes.
Comment: This variant was classified as: Pathogenic. The following ACMG criteria were applied in classifying this variant: PVS1,PS1,PM2.

Institute for Genomic Medicine (IGM) Clinical Laboratory, Nationwide Children's Hospital
Classification: Pathogenic for Hereditary spastic paraplegia 52. Last evaluated: 2019-02-22. Review status: criteria provided, single submitter. Criteria: ACMG Guidelines, 2015. Collection method: clinical testing. Allele origin: germline. Affected: yes.
Comment: [ACMG/AMP: PVS1, PM2, PM3, PP1] This alteration is a null variant in a gene where LOF is a known mechanism of disease [PVS1], is absent from or rarely observed in large-scale population databases [PM2], is detected in trans with a known pathogenic variant [PM3], has been shown to cosegregate with disease in multiple affected family members [PP1].

Eurofins Ntd Llc (ga)
Classification: Pathogenic. Last evaluated: 2018-02-16. Review status: criteria provided, single submitter. Criteria: EGL ClinVar v180209 classification definitions. Collection method: clinical testing. Allele origin: germline. Observed: 3 variant alleles, 1 heterozygote.

Groupe Hospitalier Pitie Salpetriere, Uf Genomique Du Developpement, Assistance Publique Hopitaux de Paris Sorbonne Université
Classification: Likely pathogenic for Spastic paraplegia 52, autosomal recessive. Last evaluated: 2017-01-06. Review status: criteria provided, single submitter. Criteria: ACMG Guidelines, 2015. Collection method: clinical testing. Allele origin: inherited. Affected: yes. Observed: 1 variant allele.
Comment: Intellectual disability, moderate; acquired microcephaly (-4SD); hypotonia.

Juno Genomics, Hangzhou Juno Genomics, Inc
Classification: Pathogenic for Hereditary spastic paraplegia 52. Review status: criteria provided, single submitter. Criteria: ACMG Guidelines, 2015. Collection method: clinical testing. Allele origin: germline. Affected: yes.
Comment: Null variant in a gene where loss of function (LOF) is a known mechanism of disease.;Absent from controls (or at extremely low frequency if recessive) in Genome Aggregation Database, Exome Sequencing Project, 1000 Genomes Project, or Exome Aggregation Consortium.;For recessive disorders, detected in trans with a pathogenic variant.

Yale Center for Mendelian Genomics, Yale University
Classification: Likely pathogenic for Spastic paraplegia. Last evaluated: 2020-10-01. Review status: no assertion criteria provided. Collection method: literature only. Allele origin: germline. Affected: yes. Observed: 2 compound heterozygotes, 1 homozygote. Study: Yale Center for Mendelian Genomics. Not counted in ClinVar's aggregate classification.

OMIM
Classification: Pathogenic for SPASTIC PARAPLEGIA 52, AUTOSOMAL RECESSIVE. Last evaluated: 2018-06-21. Review status: no assertion criteria provided. Collection method: literature only. Allele origin: germline. Not counted in ClinVar's aggregate classification.

Dr.Nikuei Genetic Center
Classification: Pathogenic for Hereditary spastic paraplegia 52. Review status: no assertion criteria provided. Collection method: clinical testing. Allele origin: germline. Affected: yes. Not counted in ClinVar's aggregate classification.

Literature cited by the submitters: PubMed 21620353 (cited by Labcorp Genetics (formerly Invitae), Labcorp and Rady Children's Institute for Genomic Medicine, Rady Children's Hospital San Diego); PubMed 25552650 (cited by 3 submitters); PubMed 27444738 (cited by Labcorp Genetics (formerly Invitae), Labcorp); DOI 10.1093/hmg/ddu740 (cited by Genetic Foundation of Khorasan Razavi (GFKR)); 25552650 (cited by Rady Children's Institute for Genomic Medicine, Rady Children's Hospital San Diego); 28708303 (cited by Rady Children's Institute for Genomic Medicine, Rady Children's Hospital San Diego); 31130284 (cited by Rady Children's Institute for Genomic Medicine, Rady Children's Hospital San Diego); 32979048 (cited by Rady Children's Institute for Genomic Medicine, Rady Children's Hospital San Diego); 32371413 (cited by Rady Children's Institute for Genomic Medicine, Rady Children's Hospital San Diego); PubMed 28708303 (cited by Groupe Hospitalier Pitie Salpetriere, Uf Genomique Du Developpement, Assistance Publique Hopitaux de Paris Sorbonne Université); PubMed 32979048 (cited by Yale Center for Mendelian Genomics, Yale University).